The following is an entry in ClinVar:

NM_000282.4(PCCA):c.-14C>T

Gene: PCCA (propionyl-CoA carboxylase subunit alpha; plus strand). Cytogenetic location: 13q32.3.
Variant type: single nucleotide variant.
Coding change: c.-14C>T on transcript NM_000282.4 (MANE Select); 14 bases upstream of the start codon, C replaced by T.
Molecular consequence: 5 prime UTR variant. On other transcripts: non-coding transcript variant (5).
Genome position (GRCh38, 1-based): chr13:100,089,107, C>T. VCF-style: chr13-100089107-C-T. GRCh37 (hg19) VCF-style: chr13-100741361-C-T.
Other names: c.-14C>T (NM_001127692.3, NM_001178004.2, NM_001352605.2 and 4 more transcripts); c.-880C>T (NM_001352610.2, NM_001352611.2, NM_001352612.2).
Identifiers: ClinVar variation 387987 (VCV000387987.2), dbSNP rs113438150, ClinGen allele CA7033054.

ClinVar aggregate classification (germline): Likely benign. Review status: criteria provided, multiple submitters, no conflicts (2 of 4 stars). 2 submissions from 2 submitters: Likely benign (2). Last evaluated 2024-08-30.

Allele frequency attached by ClinVar (database versions not stated): gnomAD exomes 0.00030; ESP Exome Variant Server 0.00103; ExAC 0.00147; gnomAD 0.00214 and 0.00232; TOPMed 0.00232; 1000 Genomes Project 0.00300; 1000 Genomes Project 30x 0.00344.
gnomAD v4.1: 587 of 1,481,524 alleles (0.04%); highest among the groups gnomAD compares: African/African-American, 0.77%; 4 homozygotes.

Submissions (2):

Blueprint Genetics
Classification: Likely benign. Last evaluated: 2024-08-30. Review status: criteria provided, single submitter. Criteria: ACMG Guidelines, 2015. Collection method: clinical testing. Allele origin: germline.

GeneDx
Classification: Likely benign. Last evaluated: 2016-08-03. Review status: criteria provided, single submitter. Criteria: GeneDx Variant Classification (06012015). Collection method: clinical testing. Allele origin: germline. Affected: yes.
Comment: This variant is considered likely benign or benign based on one or more of the following criteria: it is a conservative change, it occurs at a poorly conserved position in the protein, it is predicted to be benign by multiple in silico algorithms, and/or has population frequency not consistent with disease.